The following is an entry in ClinVar:

NM_002334.4(LRP4):c.5508C>T (p.Leu1836=)

Genes: LRP4 (LDL receptor related protein 4; minus strand), LRP4-AS1 (LRP4 antisense RNA 1; plus strand). Cytogenetic location: 11p11.2.
Variant type: single nucleotide variant.
Coding change: c.5508C>T on transcript NM_002334.4 (MANE Select); coding-DNA position 5508, C replaced by T.
Protein change: p.Leu1836=; no amino-acid change (leucine 1836 retained).
Molecular consequence: synonymous variant.
Genome position (GRCh38, 1-based): chr11:46,859,193, G>A on the plus strand (C>T on the coding strand, the complement: LRP4 is on the minus strand). VCF-style: chr11-46859193-G-A. GRCh37 (hg19) VCF-style: chr11-46880744-G-A.
Other names: c.5508C>T (NM_002334.3).
Identifiers: ClinVar variation 2172388 (VCV002172388.6), dbSNP rs767566588, ClinGen allele CA5969001.

ClinVar aggregate classification (germline): Likely benign. Review status: criteria provided, single submitter (1 of 4 stars). 2 submissions from 2 submitters: Likely benign (1). 1 of the submissions does not count toward it. Last evaluated 2025-06-09.

Conditions:
Cenani-Lenz syndactyly syndrome. Also called: SYNDACTYLY, TYPE VII; CENANI SYNDACTYLISM. Identifiers: Orphanet 3258, MedGen C1859309, MONDO:0008931, OMIM 212780.
Congenital myasthenic syndrome 17. Identifiers: Orphanet 590, MedGen C4225377, MONDO:0014578, OMIM 616304.
Sclerosteosis 2 (SOST2). Identifiers: Orphanet 3152, MedGen C3280402, MONDO:0013679, OMIM 614305.
LRP4-related disorder. Also called: LRP4-related condition.

Allele frequency attached by ClinVar (database versions not stated): gnomAD exomes below 0.00001; gnomAD 0.00002; TOPMed below 0.00001; ExAC 0.00001.
gnomAD v4.1: 9 of 1,614,040 alleles (0.00056%); highest among the groups gnomAD compares: East Asian, 0.011%; no homozygotes.

Submissions (2):

Labcorp Genetics (formerly Invitae), Labcorp
Classification: Likely benign for Cenani-Lenz syndactyly syndrome; Sclerosteosis 2; Congenital myasthenic syndrome 17. Last evaluated: 2025-06-09. Review status: criteria provided, single submitter. Criteria: Invitae Variant Classification Sherloc (09022015). Collection method: clinical testing. Allele origin: germline.

PreventionGenetics, part of Exact Sciences
Classification: Likely benign for LRP4-related condition. Last evaluated: 2021-05-17. Review status: no assertion criteria provided. Collection method: clinical testing. Allele origin: germline. Not counted in ClinVar's aggregate classification.
Comment: This variant is classified as likely benign based on ACMG/AMP sequence variant interpretation guidelines (Richards et al. 2015 PMID: 25741868, with internal and published modifications).